The following is an entry in ClinVar:

ClinVar aggregate classification (germline): Uncertain significance. Review status: criteria provided, multiple submitters, no conflicts (2 of 4 stars). 3 submissions from 3 submitters: Uncertain significance (3). Last evaluated 2026-01-21.

Conditions:
Inborn genetic diseases. Identifiers: MedGen C0950123, MeSH D030342.

Allele frequency attached by ClinVar (database versions not stated): gnomAD 0.00012 and 0.00013; gnomAD exomes 0.00013 and 0.00040; ESP Exome Variant Server 0.00015; 1000 Genomes Project 30x 0.00016; ExAC 0.00017; TOPMed 0.00019; 1000 Genomes Project 0.00020.
gnomAD v4.1: 615 of 1,613,422 alleles (0.038%); highest among the groups gnomAD compares: Non-Finnish European, 0.049%; no homozygotes.

Submissions (3):

Labcorp Genetics (formerly Invitae), Labcorp
Classification: Uncertain significance. Last evaluated: 2026-01-21. Review status: criteria provided, single submitter. Criteria: Invitae Variant Classification Sherloc (09022015). Collection method: clinical testing. Allele origin: germline.
Comment: This sequence change replaces phenylalanine, which is neutral and non-polar, with leucine, which is neutral and non-polar, at codon 805 of the EMC1 protein (p.Phe805Leu). This variant is present in population databases (rs187230046, gnomAD 0.02%). This variant has not been reported in the literature in individuals affected with EMC1-related conditions. ClinVar contains an entry for this variant (Variation ID: 1060418). Invitae Evidence Modeling of protein sequence and biophysical properties (such as structural, functional, and spatial information, amino acid conservation, physicochemical variation, residue mobility, and thermodynamic stability) indicates that this missense variant is not expected to disrupt EMC1 protein function with a negative predictive value of 80%. In summary, the available evidence is currently insufficient to determine the role of this variant in disease. Therefore, it has been classified as a Variant of Uncertain Significance.

Ambry Genetics
Classification: Uncertain significance for Inborn genetic diseases. Last evaluated: 2025-01-09. Review status: criteria provided, single submitter. Criteria: Ambry Variant Classification Scheme 2023. Collection method: clinical testing. Allele origin: germline.

Blueprint Genetics
Classification: Uncertain significance. Last evaluated: 2024-02-22. Review status: criteria provided, single submitter. Criteria: ACMG Guidelines, 2015. Collection method: clinical testing. Allele origin: germline.

NM_015047.3(EMC1):c.2415T>G (p.Phe805Leu)

Genes: EMC1 (ER membrane protein complex subunit 1; minus strand), EMC1-AS1 (EMC1 antisense RNA 1; plus strand). Cytogenetic location: 1p36.13.
Variant type: single nucleotide variant.
Coding change: c.2415T>G on transcript NM_015047.3 (MANE Select); coding-DNA position 2415, T replaced by G.
Protein change: p.Phe805Leu; replaces phenylalanine 805 with leucine.
Molecular consequence: missense variant.
Genome position (GRCh38, 1-based): chr1:19,222,796, A>C on the plus strand (T>G on the coding strand, the complement: EMC1 is on the minus strand). VCF-style: chr1-19222796-A-C. GRCh37 (hg19) VCF-style: chr1-19549290-A-C.
Other names: c.2412T>G, p.Phe804Leu (NM_001271427.2, NM_001271428.2); c.2349T>G, p.Phe783Leu (NM_001271429.2); c.2424T>G, p.Phe808Leu (NM_001375820.1); c.2421T>G, p.Phe807Leu (NM_001375821.1); c.2415T>G (NM_015047.1); short protein forms F783L, F804L, F805L, F807L, F808L.
Identifiers: ClinVar variation 1060418 (VCV001060418.10), dbSNP rs187230046, ClinGen allele CA652281.